The following is an entry in ClinVar:

NM_000492.4(CFTR):c.3263A>G (p.Asn1088Ser)

Genes: CFTR (CF transmembrane conductance regulator; plus strand), CFTR-AS2 (CFTR antisense RNA 2; minus strand), LOC111674472 (DNase I hypersensitive sites in introns 16 and 17a of CFTR; plus strand). Cytogenetic location: 7q31.2.
Variant type: single nucleotide variant.
Coding change: c.3263A>G on transcript NM_000492.4 (MANE Select); coding-DNA position 3263, A replaced by G.
Protein change: p.Asn1088Ser; replaces asparagine 1088 with serine.
Molecular consequence: missense variant.
Genome position (GRCh38, 1-based): chr7:117,611,704, A>G. VCF-style: chr7-117611704-A-G. GRCh37 (hg19) VCF-style: chr7-117251758-A-G.
Other names: short protein forms N1088S.
Identifiers: ClinVar variation 3266638 (VCV003266638.1).

ClinVar aggregate classification (germline): Uncertain significance (1 of 4 stars; one submission).

Conditions:
Cystic fibrosis (CF). Also called: MUCOVISCIDOSIS. Identifiers: Orphanet 586, MedGen C0010674, MONDO:0009061, OMIM 219700. Disease mechanism: loss of function.

gnomAD v4.1: 4 of 1,613,654 alleles (0.00025%); highest among the groups gnomAD compares: East Asian, 0.0045%; no homozygotes.

Submission:

Ambry Genetics
Classification: Uncertain significance for Cystic fibrosis. Last evaluated: 2024-06-19. Review status: criteria provided, single submitter. Criteria: Ambry Variant Classification Scheme 2023. Collection method: clinical testing. Allele origin: germline.
Comment: The p.N1088S variant (also known as c.3263A>G), located in coding exon 20 of the CFTR gene, results from an A to G substitution at nucleotide position 3263. The asparagine at codon 1088 is replaced by serine, an amino acid with highly similar properties. This amino acid position is well conserved in available vertebrate species. In addition, the in silico prediction for this alteration is inconclusive. Based on the available evidence, the clinical significance of this variant remains unclear.